The following is an entry in ClinVar:

NM_001345.5(DGKA):c.896A>G (p.His299Arg)

Gene: DGKA (diacylglycerol kinase alpha; plus strand). Cytogenetic location: 12q13.2.
Variant type: single nucleotide variant.
Coding change: c.896A>G on transcript NM_001345.5 (MANE Select); coding-DNA position 896, A replaced by G.
Protein change: p.His299Arg; replaces histidine 299 with arginine.
Molecular consequence: missense variant. On other transcripts: 5 prime UTR variant (3), non-coding transcript variant (2).
Genome position (GRCh38, 1-based): chr12:55,940,411, A>G. VCF-style: chr12-55940411-A-G. GRCh37 (hg19) VCF-style: chr12-56334195-A-G.
Other names: c.896A>G, p.His299Arg (NM_001351033.2, NM_001351034.2, NM_001413596.1 and 8 more transcripts); c.1010A>G, p.His337Arg (NM_001351035.1); c.473A>G, p.His158Arg (NM_001351036.2, NM_001351037.1); c.-167A>G (NM_001351038.2, NM_001351039.2, NM_001351040.2); c.872A>G, p.His291Arg (NM_001413599.1, NM_001413600.1, NM_001413601.1); short protein forms H158R, H291R, H299R, H337R.
Identifiers: ClinVar variation 3765874 (VCV003765874.1).

ClinVar aggregate classification (germline): Uncertain significance (1 of 4 stars; one submission).

Submission:

Greenwood Genetic Center Diagnostic Laboratories, Greenwood Genetic Center
Classification: Uncertain significance. Last evaluated: 2024-07-30. Review status: criteria provided, single submitter. Criteria: ACMG Guidelines, 2015. Collection method: clinical testing. Allele origin: germline. Affected: yes.
Comment: Gene of Uncertain Significance